The following is an entry in ClinVar:

NM_201384.3(PLEC):c.8542G>A (p.Asp2848Asn)

Gene: PLEC (plectin; minus strand). Cytogenetic location: 8q24.3.
Variant type: single nucleotide variant.
Coding change: c.8542G>A on transcript NM_201384.3 (MANE Select); coding-DNA position 8542, G replaced by A.
Protein change: p.Asp2848Asn; replaces aspartic acid 2848 with asparagine.
Molecular consequence: missense variant.
Genome position (GRCh38, 1-based): chr8:143,921,279, C>T on the plus strand (G>A on the coding strand, the complement: PLEC is on the minus strand). VCF-style: chr8-143921279-C-T. GRCh37 (hg19) VCF-style: chr8-144995447-C-T.
Other names: c.8623G>A, p.Asp2875Asn (NM_000445.5); c.8500G>A, p.Asp2834Asn (NM_201378.4); c.8476G>A, p.Asp2826Asn (NM_201379.3); c.8953G>A, p.Asp2985Asn (NM_201380.4); c.8446G>A, p.Asp2816Asn (NM_201381.3); c.8542G>A, p.Asp2848Asn (NM_201382.4); c.8554G>A, p.Asp2852Asn (NM_201383.3); short protein forms D2816N, D2826N, D2834N, D2848N, D2852N, D2875N, D2985N.
Identifiers: ClinVar variation 994729 (VCV000994729.8), dbSNP rs781793289, ClinGen allele CA4925270.
Genomic context (GRCh38, chr8:143,921,279, plus strand): 5'-GTAGCTGCAGGTACGTGAGGTTCTCGTGCGTGTTGGGGTCAAAGAAGCCCTTGGTGTCGT[C>T]GCTGGGGTCCGCCAGGACGCGGTTCATCTCCTCGTCGAAGTAGCCGCGCCGGTAGGCCAC-3'
Protein context (NP_958786.1, residues 2838-2858): EMNRVLADPS[Asp2848Asn]DTKGFFDPNT

ClinVar aggregate classification (germline): Uncertain significance. Review status: criteria provided, multiple submitters, no conflicts (2 of 4 stars). 4 submissions from 4 submitters: Uncertain significance (4). Last evaluated 2024-02-21.

Conditions:
Autosomal recessive limb-girdle muscular dystrophy type 2Q (LGMDR17). Also called: MUSCULAR DYSTROPHY, LIMB-GIRDLE, AUTOSOMAL RECESSIVE 17. Identifiers: Orphanet 254361, MedGen C3150989, MONDO:0013390, OMIM 613723.
Epidermolysis bullosa simplex with nail dystrophy (EBS5D). Identifiers: MedGen C4225309, MONDO:0014661, OMIM 616487.
Epidermolysis bullosa simplex, Ogna type (EBS5A). Also called: Pidermolysis bullosa simplex 5A, Ogna type; EPIDERMOLYSIS BULLOSA SIMPLEX 5A, OGNA TYPE. Identifiers: Orphanet 79401, MedGen C0432317, MONDO:0007555, OMIM 131950.
Epidermolysis bullosa simplex 5B, with muscular dystrophy (EBS5B). Also called: EPIDERMOLYSIS BULLOSA SIMPLEX AND LIMB-GIRDLE MUSCULAR DYSTROPHY; Epidermolysis bullosa simplex with muscular dystrophy. Identifiers: Orphanet 257, MedGen C2931072, MONDO:0009181, OMIM 226670.
Epidermolysis bullosa simplex 5C, with pyloric atresia (EBS5C). Also called: PLEC-Related Epidermolysis Bullosa with Pyloric Atresia; Epidermolysis bullosa simplex with pyloric atresia; PLEC1-Related Epidermolysis Bullosa with Pyloric Atresia. Identifiers: Orphanet 158684, MedGen C2677349, MONDO:0012807, OMIM 612138.
Inborn genetic diseases. Identifiers: MedGen C0950123, MeSH D030342.

Allele frequency attached by ClinVar (database versions not stated): gnomAD exomes below 0.00001; ExAC 0.00001; gnomAD 0.00002; TOPMed 0.00002.
gnomAD v4.1: 43 of 1,613,940 alleles (0.0027%); highest among the groups gnomAD compares: Middle Eastern, 0.016%; no homozygotes.

Submissions (4):

Ambry Genetics
Classification: Uncertain significance for Inborn genetic diseases. Last evaluated: 2024-02-21. Review status: criteria provided, single submitter. Criteria: Ambry Variant Classification Scheme 2023. Collection method: clinical testing. Allele origin: germline.

Blueprint Genetics
Classification: Uncertain significance. Last evaluated: 2023-11-23. Review status: criteria provided, single submitter. Criteria: ACMG Guidelines, 2015. Collection method: clinical testing. Allele origin: germline.

Labcorp Genetics (formerly Invitae), Labcorp
Classification: Uncertain significance for Autosomal recessive limb-girdle muscular dystrophy type 2Q; Epidermolysis bullosa simplex, Ogna type; Epidermolysis bullosa simplex with nail dystrophy; Epidermolysis bullosa simplex 5C, with pyloric atresia; Epidermolysis bullosa simplex 5B, with muscular dystrophy. Last evaluated: 2022-09-21. Review status: criteria provided, single submitter. Criteria: Invitae Variant Classification Sherloc (09022015). Collection method: clinical testing. Allele origin: germline.
Comment: This variant is present in population databases (rs781793289, gnomAD 0.004%). This sequence change replaces aspartic acid, which is acidic and polar, with asparagine, which is neutral and polar, at codon 2875 of the PLEC protein (p.Asp2875Asn). This variant has not been reported in the literature in individuals affected with PLEC-related conditions. In summary, the available evidence is currently insufficient to determine the role of this variant in disease. Therefore, it has been classified as a Variant of Uncertain Significance. Algorithms developed to predict the effect of missense changes on protein structure and function are either unavailable or do not agree on the potential impact of this missense change (SIFT: "Deleterious"; PolyPhen-2: "Probably Damaging"; Align-GVGD: "Class C0"). ClinVar contains an entry for this variant (Variation ID: 994729).

Athena Diagnostics
Classification: Uncertain significance. Last evaluated: 2020-03-30. Review status: criteria provided, single submitter. Criteria: Athena Diagnostics Criteria. Collection method: clinical testing. Allele origin: unknown.